The following is an entry in ClinVar:

NM_020070.4(IGLL1):c.163_164dup (p.Gly56fs)

Gene: IGLL1 (immunoglobulin lambda like polypeptide 1; minus strand). Cytogenetic location: 22q11.23.
Variant type: Duplication.
Coding change: c.163_164dup on transcript NM_020070.4 (MANE Select); coding-DNA positions 163 to 164, 2 bases duplicated (CC; older notation c.163_164dupCC).
Protein change: p.Gly56fs; shifts the reading frame from glycine 56.
Molecular consequence: frameshift variant.
Genome position (GRCh38, 1-based): chr22:23,580,027-23,580,028, GG duplicated on the plus strand (CC on the coding strand, the reverse complement: IGLL1 is on the minus strand); duplicating any 2 consecutive bases within chr22:23,580,027-23,580,030 gives the same sequence; the c. name uses the placement nearest the transcript's 3' end. VCF-style (leftmost placement, unchanged base first): chr22-23580026-A-AGG. GRCh37 (hg19) VCF-style: chr22-23922213-A-AGG.
Other names: c.163_164dup, p.Gly56fs (NM_001369906.1, NM_152855.3); short protein forms G56fs.
Identifiers: ClinVar variation 2848940 (VCV002848940.3), dbSNP rs2517408017, ClinGen allele CA2739267838.

ClinVar aggregate classification (germline): Uncertain significance (1 of 4 stars; one submission).

Conditions:
Agammaglobulinemia 2, autosomal recessive (AGM2). Also called: AGAMMAGLOBULINEMIA, AUTOSOMAL RECESSIVE, DUE TO IGLL1 DEFECT. Identifiers: MedGen C3150750, MONDO:0013287, OMIM 613500.

Submission:

Labcorp Genetics (formerly Invitae), Labcorp
Classification: Uncertain significance for Agammaglobulinemia 2, autosomal recessive. Last evaluated: 2023-03-23. Review status: criteria provided, single submitter. Criteria: Invitae Variant Classification Sherloc (09022015). Collection method: clinical testing. Allele origin: germline.
Comment: This sequence change creates a premature translational stop signal (p.Gly56Leufs*9) in the IGLL1 gene. It is expected to result in an absent or disrupted protein product. However, the current clinical and genetic evidence is not sufficient to establish whether loss-of-function variants in IGLL1 cause disease. This variant is not present in population databases (gnomAD no frequency). This variant has not been reported in the literature in individuals affected with IGLL1-related conditions. In summary, the available evidence is currently insufficient to determine the role of this variant in disease. Therefore, it has been classified as a Variant of Uncertain Significance.